The following is an entry in ClinVar:

NM_023068.4(SIGLEC1):c.5029G>C (p.Glu1677Gln)

Gene: SIGLEC1 (sialic acid binding Ig like lectin 1; minus strand). Cytogenetic location: 20p13.
Variant type: single nucleotide variant.
Coding change: c.5029G>C on transcript NM_023068.4 (MANE Select); coding-DNA position 5029, G replaced by C.
Protein change: p.Glu1677Gln; replaces glutamic acid 1677 with glutamine.
Molecular consequence: missense variant. On other transcripts: intron variant (1).
Genome position (GRCh38, 1-based): chr20:3,689,196, C>G on the plus strand (G>C on the coding strand, the complement: SIGLEC1 is on the minus strand). VCF-style: chr20-3689196-C-G. GRCh37 (hg19) VCF-style: chr20-3669843-C-G.
Other names: c.4997+404G>C (NM_001367089.1); short protein forms E1677Q.
Identifiers: ClinVar variation 2240824 (VCV002240824.26), dbSNP rs147277415, ClinGen allele CA9745971.
Genomic context (GRCh38, chr20:3,689,196, plus strand): 5'-GTGTGTGTTGAATGGATACCTGCGTGGTCTCTTTCTGAAAAGCCATCTCCACCGAATTCT[C>G]GCCCATGCTCTGCTTACAAACACGCCTCCTTCTGCAAGGCCCGGAGTGGACTCAGAGAGC-3'
Protein context (NP_075556.1, residues 1667-1687): RRRVCKQSMG[Glu1677Gln]NSVEMAFQKE

ClinVar aggregate classification (germline): Conflicting classifications of pathogenicity. Review status: criteria provided, conflicting classifications (1 of 4 stars). 2 submissions from 2 submitters: Uncertain significance (1); Likely benign (1). Last evaluated 2024-11-01.

Allele frequency attached by ClinVar (database versions not stated): ESP Exome Variant Server 0.00015.
gnomAD v4.1: 163 of 1,614,090 alleles (0.01%); highest among the groups gnomAD compares: Middle Eastern, 0.016%; no homozygotes.

Submissions (2):

CeGaT Center for Human Genetics Tuebingen
Classification: Likely benign. Last evaluated: 2024-11-01. Review status: criteria provided, single submitter. Criteria: CeGaT Center For Human Genetics Tuebingen Variant Classification Criteria Version 2. Collection method: clinical testing. Allele origin: germline. Affected: yes. Observed: 2 variant alleles.
Comment: SIGLEC1: BP4

Ambry Genetics
Classification: Uncertain significance. Last evaluated: 2022-06-07. Review status: criteria provided, single submitter. Criteria: Ambry Variant Classification Scheme 2023. Collection method: clinical testing. Allele origin: germline.